The following is an entry in ClinVar:

ClinVar aggregate classification (germline): Likely pathogenic. Review status: criteria provided, multiple submitters, no conflicts (2 of 4 stars). 2 submissions from 2 submitters: Likely pathogenic (2). Last evaluated 2022-05-18.

Conditions:
Cardiovascular phenotype. Identifiers: MedGen CN230736.
Dilated cardiomyopathy 1G (CMD1G). Identifiers: Orphanet 154, MedGen C1858763, MONDO:0011400, OMIM 604145.
Autosomal recessive limb-girdle muscular dystrophy type 2J (LGMDR10). Also called: Limb-girdle muscular dystrophy, type 2J; MUSCULAR DYSTROPHY, LIMB-GIRDLE, AUTOSOMAL RECESSIVE 10. Identifiers: Orphanet 140922, MedGen C1837342, MONDO:0012127, OMIM 608807.

Submissions (2):

Ambry Genetics
Classification: Likely pathogenic for Cardiovascular phenotype. Last evaluated: 2022-05-18. Review status: criteria provided, single submitter. Criteria: Ambry Variant Classification Scheme 2023. Collection method: clinical testing. Allele origin: germline.
Comment: The c.63433delG variant, located in coding exon 162 of the TTN gene, results from a deletion of one nucleotide at nucleotide position 63433, causing a translational frameshift with a predicted alternate stop codon (p.V21145Cfs*80). This exon is located in the A-band region of the N2-B isoform of the titin protein and is constitutively expressed in TTN transcripts (percent spliced in or PSI 100%). This variant is considered to be rare based on population cohorts in the Genome Aggregation Database (gnomAD). This alteration is expected to result in loss of function by premature protein truncation or nonsense-mediated mRNA decay. While truncating variants in TTN are present in 1-3% of the general population, truncating variants in the A-band are the most common cause of dilated cardiomyopathy (DCM) (Herman DS et al. N. Engl. J. Med., 2012 Feb;366:619-28; Roberts AM et al. Sci Transl Med, 2015 Jan;7:270ra6). TTN truncating variants encoded in constitutive exons (PSI >90%) have been found to be significantly associated with DCM regardless of their position in titin (Schafer S et al. Nat. Genet., 2017 01;49:46-53). As such, this alteration is classified as likely pathogenic.

Labcorp Genetics (formerly Invitae), Labcorp
Classification: Likely pathogenic for Dilated cardiomyopathy 1G; Autosomal recessive limb-girdle muscular dystrophy type 2J. Last evaluated: 2021-11-29. Review status: criteria provided, single submitter. Criteria: Invitae Variant Classification Sherloc (09022015). Collection method: clinical testing. Allele origin: germline.
Comment: In summary, the currently available evidence indicates that the variant is pathogenic, but additional data are needed to prove that conclusively. Therefore, this variant has been classified as Likely Pathogenic. This variant is located in the A band of TTN (PMID: 25589632). Truncating variants in this region are significantly overrepresented in patients affected with dilated cardiomyopathy (PMID: 25589632). Truncating variants in this region have also been reported in individuals affected with autosomal recessive centronuclear myopathy (PMID: 23975875). This variant has not been reported in the literature in individuals affected with TTN-related conditions. This variant is not present in population databases (gnomAD no frequency). This sequence change creates a premature translational stop signal (p.Val30210Cysfs*80) in the TTN gene. While this is not anticipated to result in nonsense mediated decay, it is expected to create a truncated TTN protein.

Literature cited by the submitters: PubMed 25589632 (cited by Labcorp Genetics (formerly Invitae), Labcorp); PubMed 23975875 (cited by Labcorp Genetics (formerly Invitae), Labcorp).

NM_001267550.2(TTN):c.90628del (p.Val30210fs)

Genes: TTN (titin; minus strand), TTN-AS1 (TTN antisense RNA 1; plus strand). Cytogenetic location: 2q31.2.
Variant type: Deletion.
Coding change: c.90628del on transcript NM_001267550.2 (MANE Select); coding-DNA position 90628, one base deleted (G; older notation c.90628delG).
Protein change: p.Val30210fs; shifts the reading frame from valine 30210.
Molecular consequence: frameshift variant.
Genome position (GRCh38, 1-based): chr2:178,552,272, C deleted on the plus strand (G on the coding strand, the reverse complement: TTN is on the minus strand). VCF-style (leftmost placement, unchanged base first): chr2-178552271-AC-A. GRCh37 (hg19) VCF-style: chr2-179416998-AC-A.
Other names: c.63433delG (NM_003319.4); c.64009del, p.Val21337fs (NM_133437.4); c.85705del, p.Val28569fs (NM_001256850.1); c.63433del, p.Val21145fs (NM_003319.4); c.82924del, p.Val27642fs (NM_133378.4); c.63808del, p.Val21270fs (NM_133432.3); short protein forms V21337fs, V21145fs, V27642fs, V28569fs, V30210fs, V21270fs.
Identifiers: ClinVar variation 1499967 (VCV001499967.8), dbSNP rs2154151163, ClinGen allele CA2573133734.